The following is an entry in ClinVar:

NM_025137.4(SPG11):c.5405G>A (p.Trp1802Ter)

Gene: SPG11 (SPG11 vesicle trafficking associated, spatacsin; minus strand). Cytogenetic location: 15q21.1.
Variant type: single nucleotide variant.
Coding change: c.5405G>A on transcript NM_025137.4 (MANE Select); coding-DNA position 5405, G replaced by A.
Protein change: p.Trp1802Ter; replaces tryptophan 1802 with a stop codon.
Molecular consequence: nonsense.
Genome position (GRCh38, 1-based): chr15:44,584,275, C>T on the plus strand (G>A on the coding strand, the complement: SPG11 is on the minus strand). VCF-style: chr15-44584275-C-T. GRCh37 (hg19) VCF-style: chr15-44876473-C-T.
Other names: p. Trp1802Ter; c.5405G>A, p.Trp1802Ter (NM_001160227.2); c.5261G>A, p.Trp1754Ter (NM_001411132.1); short protein forms W1754*, W1802*.
Identifiers: ClinVar variation 4759355 (VCV004759355.1).

ClinVar aggregate classification (germline): Likely pathogenic (1 of 4 stars; one submission).

Conditions:
Hereditary spastic paraplegia 11. Also called: SPASTIC PARAPLEGIA, AUTOSOMAL RECESSIVE, COMPLICATED, WITH THIN CORPUS CALLOSUM; SPASTIC PARAPLEGIA, AUTOSOMAL RECESSIVE, WITH MENTAL IMPAIRMENT AND THIN CORPUS CALLOSUM; Spastic Paraplegia 11; Spastic paraplegia, mental retardation and thin corpus callosum; Nakamura Osame syndrome; Autosomal recessive hereditary spastic paraplegia, mental impairment, and thin corpus callosum. Identifiers: Orphanet 2822, MedGen C1858479, MONDO:0011445, OMIM 604360.

Submission:

Department of Medical Genetics, Sanjay Gandhi Post Graduate Institute of Medical Sciences
Classification: Likely pathogenic for Hereditary spastic paraplegia 11. Review status: criteria provided, single submitter. Criteria: ACMG Guidelines, 2015. Collection method: research. Allele origin: germline. Inheritance: Autosomal recessive inheritance. Affected: yes. Observed: 1 homozygote.
Comment: The novel variant c.5405 G>A (p. Trp1802Ter) was detected in the homozygous state and is classified as likely pathogenic as per ACMG-AMP criteria (PVS1, PM2, PP1).